The following continues an entry in ClinVar:

NM_000441.2(SLC26A4):c.412G>T (p.Val138Phe)

Gene: SLC26A4. ClinVar aggregate classification (germline): Pathogenic. Pathogenic (1).

Submissions 9 to 22 of 26:

Women's Health and Genetics/Laboratory Corporation of America, LabCorp
Classification: Pathogenic for Pendred syndrome. Last evaluated: 2024-09-09. Review status: criteria provided, single submitter. Criteria: LabCorp Variant Classification Summary - May 2015. Collection method: clinical testing. Allele origin: germline. Not counted in ClinVar's aggregate classification.
Comment: Variant summary: SLC26A4 c.412G>T (p.Val138Phe) results in a non-conservative amino acid change located in the SLC26A/SulP transporter domain (IPR011547) of the encoded protein sequence. Five of five in-silico tools predict a damaging effect of the variant on protein function. The variant allele was found at a frequency of 0.00018 in 251236 control chromosomes. This frequency is not significantly higher than estimated for a pathogenic variant in SLC26A4 causing Pendred Syndrome (0.00018 vs 0.0035), allowing no conclusion about variant significance. c.412G>T has been reported in the literature in multiple individuals affected with Pendred Syndrome (example: Mey_2019). These data indicate that the variant is very likely to be associated with disease. The following publication has been ascertained in the context of this evaluation (PMID: 31633822). ClinVar contains an entry for this variant (Variation ID: 4835). Based on the evidence outlined above, the variant was classified as pathogenic.

Blueprint Genetics
Classification: Pathogenic for SLC26A4-related disorders. Last evaluated: 2024-08-14. Review status: criteria provided, single submitter. Criteria: ACMG Guidelines, 2015. Collection method: clinical testing. Allele origin: germline. Affected: yes. Observed: 5 variant alleles. Not counted in ClinVar's aggregate classification.

Dasa
Classification: Pathogenic. Last evaluated: 2024-06-26. Review status: criteria provided, single submitter. Criteria: DASA Assertion Criteria. Collection method: clinical testing. Allele origin: germline. Not counted in ClinVar's aggregate classification.
Comment: NM_000441.2(SLC26A4):c.412G>T (p.Val138Phe) is a missense variant that results in the substitution of valine with phenylalanine. The affected residue or protein region has prior evidence supporting clinical relevance. This variant has been reported in individuals with related phenotype. This variant has been observed in affected individuals with related phenotype in a genotype context consistent with recessive disease. Multiple computational predictions support a deleterious effect on the gene or gene product. Based on the available data, this variant is classified as pathogenic.

Fulgent Genetics
Classification: Pathogenic for Pendred syndrome; Autosomal recessive nonsyndromic hearing loss 4. Last evaluated: 2024-06-14. Review status: criteria provided, single submitter. Criteria: ACMG Guidelines, 2015. Collection method: clinical testing. Allele origin: germline. Not counted in ClinVar's aggregate classification.

Baylor Genetics
Classification: Pathogenic for Autosomal recessive nonsyndromic hearing loss 4. Last evaluated: 2024-03-18. Review status: criteria provided, single submitter. Criteria: ACMG Guidelines, 2015. Collection method: clinical testing. Allele origin: unknown. Not counted in ClinVar's aggregate classification.

Clinical Genomics Laboratory, Stanford Medicine
Classification: Pathogenic for Autosomal recessive nonsyndromic hearing loss 4; Pendred syndrome. Last evaluated: 2023-03-22. Review status: criteria provided, single submitter. Criteria: ACMG Guidelines, 2015. Collection method: clinical testing. Allele origin: germline. Inheritance: Autosomal recessive inheritance. Observed: 1 variant allele, 1 heterozygote. Not counted in ClinVar's aggregate classification.
Comment: The p.Val138Phe variant in the SLC26A4 gene has been previously reported in the homozygous or compound heterozygous state in at least 10 individuals with Pendred syndrome or nonsyndromic hearing loss with enlarged vestibular aqueduct (Borck et al., 2003; Pryor et al., 2005; Pera et al., 2008; Pourová et al., 2010; Kandasamy et al., 2011). This variant also segregated with disease in at least 2 affected individuals from 1 family (Borck et al., 2003).This variant has been identified in 38/129,014 European non-Finnish chromosomes (46/282,472 chromosomes overall) by the Genome Aggregation Database. Although this variant has been seen in the general population, its frequency is low enough to be consistent with a recessive carrier frequency. This variant is present in ClinVar (Variation ID: 4835). A functional study of the p.Val138Phe variant demonstrated that this variant results in altered cell membrane localization of the SLC26A4 protein (Taylor et al., 2002). Computational tools predict that the p.Val138Phe variant is deleterious; however, the accuracy of in silico algorithms is limited. These data were assessed using the ACMG/AMP variant interpretation guidelines. In summary, there is sufficient evidence to classify the p.Val138Phe variant as pathogenic for autosomal recessive Pendred syndrome or nonsyndromic hearing loss with enlarged vestibular aqueduct based on the information above. [ACMG evidence codes used: PM3_Very Strong; PM2_Supporting; PS3_Supporting; PP3

Greenwood Genetic Center Diagnostic Laboratories, Greenwood Genetic Center
Classification: Pathogenic for Autosomal recessive nonsyndromic hearing loss 4. Last evaluated: 2021-10-21. Review status: criteria provided, single submitter. Criteria: ACMG Guidelines, 2015. Collection method: clinical testing. Allele origin: germline. Affected: yes. Not counted in ClinVar's aggregate classification.
Comment: PM3_Very_Strong, PS4, PP1_Moderate, PM2_Supporting, PP3, PP4, PS3_Supporting

Department of Otolaryngology – Head & Neck Surgery, Cochlear Implant Center
Classification: Pathogenic for Hearing impairment. Last evaluated: 2021-04-12. Review status: criteria provided, single submitter. Criteria: ClinGen HL ACMG Specifications v1. Collection method: clinical testing. Allele origin: germline. Affected: yes. Not counted in ClinVar's aggregate classification.
Comment: PS1_Strong, PM2_Supporting, PM5_Moderate, PP3_Supporting

Laboratory for Molecular Medicine, Mass General Brigham Personalized Medicine
Classification: Pathogenic for Rare genetic deafness. Last evaluated: 2020-09-16. Review status: criteria provided, single submitter. Criteria: LMM Criteria. Collection method: clinical testing. Allele origin: germline. Inheritance: Autosomal recessive inheritance. Observed: 17 variant alleles. Not counted in ClinVar's aggregate classification.
Comment: The p.Val138Phe variant in SLC26A4 has been reported in more than 20 individuals with clinical features of Pendred syndrome or DFNB4 hearing loss, at least 10 of whom were homozygous or compound heterozygous (Borck 2003 PMID: 12788906, Campbell 2001 PMID: 11317356, Coyle 1998 PMID: 9618167, de Moraes 2013 PMID: 23273637, Gonzalez Trevino 2001 PMID: 11375792, Kandasamy 2011 PMID: 21551164, Pourova 2010 PMID: 20597900, Pryor 2005 PMID: 15689455, Taylor 2002 PMID: 11932316, Van Hauwe 1998 PMID: 9618166, LMM data). It has been identified in 0.03% (38/126540) European chromosomes by the Genome Aggregation Database (gnomAD; rs111033199); however, this low frequency is consistent with the carrier frequency in the general population. In vitro functional studies provide some evidence that the p.Val138Phe variant may impact protein function (Taylor 2002 PMID: 11932316). In summary, this variant meets criteria to be classified as pathogenic for Pendred syndrome or nonsyndromic hearing loss in an autosomal recessive manner. ACMG/AMP criteria applied: PM3_VeryStrong, PS4, PM2_Supporting, PS3_Supporting.

GeneDx
Classification: Pathogenic. Last evaluated: 2020-06-29. Review status: criteria provided, single submitter. Criteria: GeneDx Variant Classification Process June 2021. Collection method: clinical testing. Allele origin: germline. Affected: yes. Not counted in ClinVar's aggregate classification.
Comment: Published functional studies demonstrate a damaging effect due to aberrant protein processing, with retention of pendrin in the endoplasmic reticulum and absence of proper pendrin assembly at the cell membrane (Taylor et al., 2002); Common variant in Caucasian populations, accounting for approximately 12% of pathogenic alleles in published studies of Western European individuals (Tsukada et al., 2015); In silico analysis supports that this missense variant has a deleterious effect on protein structure/function; Classified as pathogenic by the ClinGen Hearing Loss Expert Panel (Oza et al., 2018; ClinVar SCV000840515.3; Landrum et al., 2016); This variant is associated with the following publications: (PMID: 9618166, 21551164, 17503324, 23336812, 19608655, 11932316, 26969326, 23273637, 12788906, 26744121, 29986705, 30473558, 30762457, 29320412, 29984802, 27771369, 18285825, 26683941, 25999548, 24224479, 16570074, 15689455, 23965030, 20597900, 31980526, 31589614)

Molecular Diagnostics Lab, Nemours Children's Health, Delaware
Classification: Pathogenic for Pendred syndrome. Last evaluated: 2020-05-15. Review status: criteria provided, single submitter. Criteria: ACMG Guidelines, 2015. Collection method: clinical testing. Allele origin: unknown. Inheritance: Autosomal recessive inheritance. Observed: 2 variant alleles. Not counted in ClinVar's aggregate classification.

Myriad Genetics, Inc.
Classification: Pathogenic for Pendred syndrome. Last evaluated: 2019-12-20. Review status: criteria provided, single submitter. Criteria: Myriad Women's Health Autosomal Recessive and X-Linked Classification Criteria (2019). Collection method: clinical testing. Allele origin: unknown. Not counted in ClinVar's aggregate classification.
Comment: NM_000441.1(SLC26A4):c.412G>T(V138F) is classified as pathogenic in the context of Pendred syndrome. Sources cited for classification include the following: PMID 19204907, 15355436, 11375792, 21551164, 15689455, 12788906, 23273637, 19017801, 9618167, 11932316, 9070918 and 9618166. Classification of NM_000441.1(SLC26A4):c.412G>T(V138F) is based on the following criteria: This is a well-established pathogenic variant in the literature that has been observed more frequently in patients with clinical diagnoses than in healthy populations. Please note: this variant was assessed in the context of healthy population screening.

Revvity Omics, Revvity
Classification: Pathogenic. Last evaluated: 2019-11-20. Review status: criteria provided, single submitter. Criteria: ACMG Guidelines, 2015. Collection method: clinical testing. Allele origin: germline. Not counted in ClinVar's aggregate classification.

Eurofins Ntd Llc (ga)
Classification: Pathogenic. Last evaluated: 2018-07-11. Review status: criteria provided, single submitter. Criteria: EGL ClinVar v180209 classification definitions. Collection method: clinical testing. Allele origin: germline. Observed: 1 variant allele, 1 heterozygote. Not counted in ClinVar's aggregate classification.